The following is an entry in ClinVar:

ClinVar aggregate classification (germline): Uncertain significance (1 of 4 stars; one submission).

gnomAD v4.1: 7 of 1,613,410 alleles (0.00043%); highest among the groups gnomAD compares: Middle Eastern, 0.016%; no homozygotes.

Submission:

CeGaT Center for Human Genetics Tuebingen
Classification: Uncertain significance. Last evaluated: 2025-10-01. Review status: criteria provided, single submitter. Criteria: CeGaT Center For Human Genetics Tuebingen Variant Classification Criteria Version 2. Collection method: clinical testing. Allele origin: germline. Affected: yes. Observed: 1 variant allele.
Comment: DNAH1: PM2, BP4

NM_015512.5(DNAH1):c.7212C>A (p.His2404Gln)

Gene: DNAH1 (dynein axonemal heavy chain 1; plus strand). Cytogenetic location: 3p21.1.
Variant type: single nucleotide variant.
Coding change: c.7212C>A on transcript NM_015512.5 (MANE Select); coding-DNA position 7212, C replaced by A.
Protein change: p.His2404Gln; replaces histidine 2404 with glutamine.
Molecular consequence: missense variant.
Genome position (GRCh38, 1-based): chr3:52,378,615, C>A. VCF-style: chr3-52378615-C-A. GRCh37 (hg19) VCF-style: chr3-52412631-C-A.
Other names: short protein forms H2404Q.
Identifiers: ClinVar variation 4534439 (VCV004534439.6).
Genomic context (GRCh38, chr3:52,378,615, plus strand): 5'-GAGGGAGCTCCTGGCATGTGACCCAGGCCATTCTCCTATTCCCCCAGCTGGGGCCCCCCA[C>A]ATTGCCCACTTCACGGAGCCCCTTGTGGAAGCCACCATCATGGTGTATGCAACCATCACC-3'
Protein context (NP_056327.4, residues 2394-2414): SYRERVPGAP[His2404Gln]IAHFTEPLVE